The following is an entry in ClinVar:

NM_007294.4(BRCA1):c.4358-1277A>T

Gene: BRCA1 (BRCA1 DNA repair associated; minus strand). Cytogenetic location: 17q21.31.
Variant type: single nucleotide variant.
Coding change: c.4358-1277A>T on transcript NM_007294.4 (MANE Select); 1277 bases into the intron before coding-DNA position 4358, A replaced by T.
Molecular consequence: intron variant.
Genome position (GRCh38, 1-based): chr17:43,077,891, T>A on the plus strand (A>T on the coding strand, the complement: BRCA1 is on the minus strand). VCF-style: chr17-43077891-T-A. GRCh37 (hg19) VCF-style: chr17-41229908-T-A.
Other names: IVS 13-1277A>T; c.908-1280A>T (NM_001408458.1, NM_001408461.1, NM_001408459.1 and 1 more transcripts); c.3470-1280A>T (NM_001407967.1); c.3977-1277A>T (NM_001407959.1); c.4091-1277A>T (NM_001407931.1, NM_001407932.1, NM_001407930.1 and 1 more transcripts); c.4214-1277A>T (NM_001407747.1, NM_001407745.1, NM_001407746.1 and 11 more transcripts); c.3974-1277A>T (NM_001407962.1); c.545-1277A>T (NM_001408512.1); and 99 more.
Identifiers: ClinVar variation 209387 (VCV000209387.3), dbSNP rs4318274, ClinGen allele CA276359.
Genomic context (GRCh38, chr17:43,077,891, plus strand): 5'-GTTCAAGCTGTTCTCCTGCCTCAGCCTCCCAAGTAGTTGGGATTACAGGTATGCACCACC[T>A]CGCCCAACTAATTTTGTATTTTTAGTAGAGATGGGGTTTCTCCATGTTGGTCACGCTGGT-3'

ClinVar aggregate classification (germline): Benign. Review status: reviewed by expert panel (3 of 4 stars). 2 submissions from 2 submitters: Benign (1). 1 of the submissions does not count toward it. Last evaluated 2015-01-12.

Conditions:
Breast-ovarian cancer, familial, susceptibility to, 1 (BROVCA1). Also called: BRCA1 Hereditary Breast and Ovarian Cancer; OVARIAN CANCER, SUSCEPTIBILITY TO. Identifiers: Orphanet 145, MedGen C2676676, MONDO:0011450, OMIM 604370. Disease mechanism: loss of function.

Allele frequency attached by ClinVar (database versions not stated): gnomAD 0.49375 and 0.49721; TOPMed 0.50137; 1000 Genomes Project 0.54812; 1000 Genomes Project 30x 0.55340.
gnomAD v4.1: 74,375 of 151,136 alleles (49%); highest among the groups gnomAD compares: African/African-American, 82%; 21,647 homozygotes.

Submissions (2):

Evidence-based Network for the Interpretation of Germline Mutant Alleles (ENIGMA)
Classification: Benign for Breast-ovarian cancer, familial 1. Last evaluated: 2015-01-12. Review status: reviewed by expert panel. Criteria: ENIGMA BRCA1/2 Classification Criteria (2015). Collection method: curation. Allele origin: germline.
Comment: Class 1 not pathogenic based on frequency >1% in an outbred sampleset. Frequency 0.3269 (Asian), 0.128 (African), 0.3681 (European), derived from 1000 genomes (2012-04-30).

Breakthrough Genomics
Classification: Benign. Review status: criteria provided, single submitter. Criteria: ACMG Guidelines, 2015. Collection method: not provided. Allele origin: germline. Inheritance: Autosomal recessive inheritance. Affected: yes. Not counted in ClinVar's aggregate classification.